The following is an entry in ClinVar:

NM_001370298.3(FGD4):c.614C>T (p.Ser205Phe)

Gene: FGD4 (FYVE, RhoGEF and PH domain containing 4; plus strand). Cytogenetic location: 12p11.21.
Variant type: single nucleotide variant.
Coding change: c.614C>T on transcript NM_001370298.3 (MANE Select); coding-DNA position 614, C replaced by T.
Protein change: p.Ser205Phe; replaces serine 205 with phenylalanine.
Molecular consequence: missense variant. On other transcripts: 5 prime UTR variant (5), non-coding transcript variant (1), intron variant (1).
Genome position (GRCh38, 1-based): chr12:32,582,070, C>T. VCF-style: chr12-32582070-C-T. GRCh37 (hg19) VCF-style: chr12-32735004-C-T.
Other names: c.458C>T, p.Ser153Phe (NM_001304481.2); c.-642C>T (NM_001304483.2); c.-949C>T (NM_001304484.2); c.-77C>T (NM_001330373.2, NM_001330374.2, NM_001384130.1); c.614C>T, p.Ser205Phe (NM_001384126.1); c.203C>T, p.Ser68Phe (NM_001384127.1, NM_001384128.1, NM_001384131.1 and 3 more transcripts); c.49-16427C>T (NM_001370297.1); short protein forms S205F, S153F, S68F.
Identifiers: ClinVar variation 1980712 (VCV001980712.4), dbSNP rs544427828, ClinGen allele CA6506600.

ClinVar aggregate classification (germline): Uncertain significance (1 of 4 stars; one submission).

Conditions:
Charcot-Marie-Tooth disease type 4. Also called: Charcot-Marie-Tooth disease, type IV; Charcot-Marie-Tooth, Type 4. Identifiers: Orphanet 64749, MedGen C4082197, MONDO:0018995.

Allele frequency attached by ClinVar (database versions not stated): gnomAD 0.00001; TOPMed 0.00001; gnomAD exomes 0.00003; ExAC 0.00008; 1000 Genomes Project 30x 0.00016; 1000 Genomes Project 0.00020.
gnomAD v4.1: 45 of 1,614,206 alleles (0.0028%); highest among the groups gnomAD compares: East Asian, 0.098%; no homozygotes.

Submission:

Labcorp Genetics (formerly Invitae), Labcorp
Classification: Uncertain significance for Charcot-Marie-Tooth disease type 4. Last evaluated: 2024-10-22. Review status: criteria provided, single submitter. Criteria: Invitae Variant Classification Sherloc (09022015). Collection method: clinical testing. Allele origin: germline.
Comment: This sequence change replaces serine, which is neutral and polar, with phenylalanine, which is neutral and non-polar, at codon 68 of the FGD4 protein (p.Ser68Phe). This variant is present in population databases (rs544427828, gnomAD 0.1%). This variant has not been reported in the literature in individuals affected with FGD4-related conditions. ClinVar contains an entry for this variant (Variation ID: 1980712). An algorithm developed to predict the effect of missense changes on protein structure and function (PolyPhen-2) suggests that this variant is likely to be tolerated. In summary, the available evidence is currently insufficient to determine the role of this variant in disease. Therefore, it has been classified as a Variant of Uncertain Significance.